The following is an entry in ClinVar:

ClinVar aggregate classification (germline): Uncertain significance (1 of 4 stars; one submission).

Conditions:
Aortic valve disease 2 (AOVD2). Identifiers: MedGen C3542024, MONDO:0013902, OMIM 614823.

Allele frequency attached by ClinVar (database versions not stated): gnomAD 0.00001.

Submission:

Labcorp Genetics (formerly Invitae), Labcorp
Classification: Uncertain significance for Aortic valve disease 2. Last evaluated: 2021-10-24. Review status: criteria provided, single submitter. Criteria: Invitae Variant Classification Sherloc (09022015). Collection method: clinical testing. Allele origin: germline.
Comment: Algorithms developed to predict the effect of missense changes on protein structure and function (SIFT, PolyPhen-2, Align-GVGD) all suggest that this variant is likely to be tolerated. This variant has not been reported in the literature in individuals affected with SMAD6-related conditions. The frequency data for this variant in the population databases is considered unreliable, as metrics indicate insufficient coverage at this position in the ExAC database. This sequence change replaces proline with serine at codon 96 of the SMAD6 protein (p.Pro96Ser). The proline residue is weakly conserved and there is a moderate physicochemical difference between proline and serine. In summary, the available evidence is currently insufficient to determine the role of this variant in disease. Therefore, it has been classified as a Variant of Uncertain Significance.

NM_005585.5(SMAD6):c.286C>T (p.Pro96Ser)

Gene: SMAD6 (SMAD family member 6; plus strand). Cytogenetic location: 15q22.31.
Variant type: single nucleotide variant.
Coding change: c.286C>T on transcript NM_005585.5 (MANE Select); coding-DNA position 286, C replaced by T.
Protein change: p.Pro96Ser; replaces proline 96 with serine.
Molecular consequence: missense variant. On other transcripts: non-coding transcript variant (1).
Genome position (GRCh38, 1-based): chr15:66,703,544, C>T. VCF-style: chr15-66703544-C-T. GRCh37 (hg19) VCF-style: chr15-66995882-C-T.
Other names: short protein forms P96S.
Identifiers: ClinVar variation 1370506 (VCV001370506.6), dbSNP rs1299231742, ClinGen allele CA392949177.
Genomic context (GRCh38, chr15:66,703,544, plus strand): 5'-GGCGCCCAGGGCGCGGGGAGGCGCCGGCGCGCAGGGGGCCCCCCGAGGCCCATGTCGGAG[C>T]CAGGGGCCGGCGCTGGGAGCTCCCTGCTGGACGTGGCGGAGCCGGGAGGCCCGGGCTGGC-3'
Protein context (NP_005576.3, residues 86-106): AGGPPRPMSE[Pro96Ser]GAGAGSSLLD